The following is an entry in ClinVar:

ClinVar aggregate classification (germline): Uncertain significance. Review status: reviewed by expert panel (3 of 4 stars). 8 submissions from 8 submitters: Uncertain significance (1). 7 of the submissions do not count toward it. Last evaluated 2025-06-10.

Conditions:
Inborn genetic diseases. Identifiers: MedGen C0950123, MeSH D030342.
Very long chain acyl-CoA dehydrogenase deficiency (ACADVLD). Also called: VLCAD Deficiency; Very Long-Chain Acyl-Coenzyme A Dehydrogenase Deficiency. Identifiers: Orphanet 26793, MedGen C3887523, MONDO:0008723, OMIM 201475.

Allele frequency attached by ClinVar (database versions not stated): ExAC 0.00008; ESP Exome Variant Server 0.00008; gnomAD exomes 0.00008 and 0.00016; gnomAD 0.00011; TOPMed 0.00012.
gnomAD v4.1: 147 of 1,614,020 alleles (0.0091%); highest among the groups gnomAD compares: East Asian, 0.0067%; no homozygotes.

Submissions (8):

ClinGen ACADVL Variant Curation Expert Panel, ClinGen
Classification: Uncertain significance for Very long chain acyl-CoA dehydrogenase deficiency. Last evaluated: 2025-06-10. Review status: reviewed by expert panel. Criteria: clingen acadvl acmg specifications v1. Collection method: curation. Allele origin: germline. Inheritance: Autosomal recessive inheritance.
Comment: The NM_000018.4(ACADVL):c.1239A>G (p.Ile413Met) in ACADVL is a missense variant predicted to cause substitution of arginine by glutamine at amino acid 613. The highest population minor allele frequency in gnomAD v4.1 is 0.00006 in Admixed American population, which is lower than the ClinGen ACADVL Variant Curation Expert Panel threshold (<0.001) for PM2_Supporting, meeting this criterion (PM2_Supporting). The computational predictor REVEL gives a score of 0.675 which is neither above nor below the thresholds predicting a damaging or benign impact on ACADVL function. This variant does not reside within a region of ACADVL that is defined as a mutational hotspot or critical functional domain by the ClinGen ACADVL Variant Curation Expert Panel. To our knowledge, this variant has not been reported in the literature in any individuals with autosomal recessive very long chain acyl-CoA dehydrogenase (VLCAD) deficiency. In summary, this variant meets the criteria to be classified as variant of uncertain significance for autosomal recessive very long chain acyl-CoA dehydrogenase (VLCAD) deficiency based on the ACMG/AMP criteria applied, as specified by the ClinGen ACADVL Variant Curation Expert Panel: PM2_Supporting (ACADVL VCEP specifications version 2; approved May 1, 2025).

Labcorp Genetics (formerly Invitae), Labcorp
Classification: Likely benign for Very long chain acyl-CoA dehydrogenase deficiency. Last evaluated: 2026-01-21. Review status: criteria provided, single submitter. Criteria: Invitae Variant Classification Sherloc (09022015). Collection method: clinical testing. Allele origin: germline. Not counted in ClinVar's aggregate classification.

Ambry Genetics
Classification: Likely benign for Inborn genetic diseases. Last evaluated: 2024-01-24. Review status: criteria provided, single submitter. Criteria: Ambry Variant Classification Scheme 2023. Collection method: clinical testing. Allele origin: germline. Not counted in ClinVar's aggregate classification.

Clinical Genomics Laboratory, Stanford Medicine
Classification: Uncertain significance for Very long chain acyl-CoA dehydrogenase deficiency. Last evaluated: 2021-12-03. Review status: criteria provided, single submitter. Criteria: ACMG Guidelines, 2015. Collection method: clinical testing. Allele origin: germline. Observed: 1 variant allele, 1 heterozygote. Not counted in ClinVar's aggregate classification.
Comment: The p.Ile413Met variant in the ACADVL gene has not been previously reported in association with disease. This variant has been identified in 31/10,080 Ashkenazi Jewish and 3/18,394 East Asian chromosomes by the Genome Aggregation Database. Computational tools predict that this variant is deleterious; however, the accuracy of in silico algorithms is limited These data were assessed using the ACMG/AMP variant interpretation guidelines. In summary, the significance of the p.Ile413Met variant is uncertain. Additional information is needed to resolve the significance of this variant. [ACMG evidence codes used: PP3]

GeneDx
Classification: Uncertain significance. Last evaluated: 2021-12-01. Review status: criteria provided, single submitter. Criteria: GeneDx Variant Classification Process June 2021. Collection method: clinical testing. Allele origin: germline. Affected: yes. Not counted in ClinVar's aggregate classification.
Comment: In silico analysis supports that this missense variant does not alter protein structure/function; This variant is associated with the following publications: (PMID: 25843429)

Wong Mito Lab, Molecular and Human Genetics, Baylor College of Medicine
Classification: Uncertain significance for Very long chain acyl-CoA dehydrogenase deficiency. Last evaluated: 2019-11-01. Review status: criteria provided, single submitter. Criteria: ACMG Guidelines, 2015. Collection method: clinical testing. Allele origin: germline. Not counted in ClinVar's aggregate classification.
Comment: The NM_000018.3:c.1239A>G (NP_000009.1:p.Ile413Met) [GRCH38: NC_000017.11:g.7223700A>G] variant in ACADVL gene is interpretated to be Uncertain Significance based on ACMG guidelines (PMID: 25741868). This variant has been reported. This variant meets the following evidence codes reported in the ACMG guidelines: BP4

Mayo Clinic Laboratories, Mayo Clinic
Classification: Uncertain significance. Last evaluated: 2019-07-28. Review status: criteria provided, single submitter. Criteria: ACMG Guidelines, 2015. Collection method: clinical testing. Allele origin: germline. Not counted in ClinVar's aggregate classification.

Illumina Laboratory Services, Illumina
Classification: Uncertain significance for Very long chain acyl-CoA dehydrogenase deficiency. Last evaluated: 2017-04-27. Review status: criteria provided, single submitter. Criteria: ICSL Variant Classification Criteria 13 December 2019. Collection method: clinical testing. Allele origin: germline. Not counted in ClinVar's aggregate classification.
Comment: This variant was observed as part of a predisposition screen in an ostensibly healthy population. A literature search was performed for the gene, cDNA change, and amino acid change (where applicable). Publications were found based on this search. However, the evidence from the literature, in combination with allele frequency data from public databases where available, was not sufficient to rule this variant in or out of causing disease. Therefore, this variant is classified as a variant of unknown significance.

Literature cited by the submitters: PubMed 28518168 (cited by Ambry Genetics); PubMed 32461654 (cited by Ambry Genetics); PubMed 25843429 (cited by Illumina Laboratory Services, Illumina).

NM_000018.4(ACADVL):c.1239A>G (p.Ile413Met)

Gene: ACADVL (acyl-CoA dehydrogenase very long chain; plus strand). Cytogenetic location: 17p13.1.
Variant type: single nucleotide variant.
Coding change: c.1239A>G on transcript NM_000018.4 (MANE Select); coding-DNA position 1239, A replaced by G.
Protein change: p.Ile413Met; replaces isoleucine 413 with methionine.
Molecular consequence: missense variant.
Genome position (GRCh38, 1-based): chr17:7,223,700, A>G. VCF-style: chr17-7223700-A-G. GRCh37 (hg19) VCF-style: chr17-7127019-A-G.
Other names: NM_000018.4(ACADVL):c.1239A>G; c.1173A>G, p.Ile391Met (NM_001033859.3); c.1308A>G, p.Ile436Met (NM_001270447.2); c.1011A>G, p.Ile337Met (NM_001270448.2); short protein forms I413M, I337M, I391M, I436M.
Identifiers: ClinVar variation 474879 (VCV000474879.28), dbSNP rs143172658, ClinGen allele CA8338045.